The following is an entry in ClinVar:

NM_153676.4(USH1C):c.2551T>G (p.Ser851Ala)

Gene: USH1C (USH1 protein network component harmonin; minus strand). Cytogenetic location: 11p15.1.
Variant type: single nucleotide variant.
Coding change: c.2551T>G on transcript NM_153676.4 (MANE Select); coding-DNA position 2551, T replaced by G.
Protein change: p.Ser851Ala; replaces serine 851 with alanine.
Molecular consequence: missense variant. On other transcripts: intron variant (2).
Genome position (GRCh38, 1-based): chr11:17,495,673, A>C on the plus strand (T>G on the coding strand, the complement: USH1C is on the minus strand). VCF-style: chr11-17495673-A-C. GRCh37 (hg19) VCF-style: chr11-17517220-A-C.
Other names: c.1589+1085T>G (NM_001297764.2); c.1646+1085T>G (NM_005709.4); short protein forms S851A.
Identifiers: ClinVar variation 505000 (VCV000505000.16), dbSNP rs200779709, ClinGen allele CA5904094.
Genomic context (GRCh38, chr11:17,495,673, plus strand): 5'-CACGGTCTTCAAGGAGCTTTCGGACCGGTTGGGGGCTTTCAGCTACGGAGGAGGGAAGAG[A>C]AGCTCTATATATACAGAGCAGAGCAAGAAACACAAAACAGGCTTGGTTACTCCCAGGCAG-3'
Protein context (NP_710142.1, residues 841-861): PPKEYDDELA[Ser851Ala]LPSSVAESPQ

ClinVar aggregate classification (germline): Conflicting classifications of pathogenicity. Review status: criteria provided, conflicting classifications (1 of 4 stars). 4 submissions from 4 submitters: Uncertain significance (2); Benign (1); Likely benign (1). Last evaluated 2026-03-12.

Conditions:
USH1C-related disorder. Also called: USH1C-related condition.

Allele frequency attached by ClinVar (database versions not stated): gnomAD 0.00003; TOPMed 0.00015; 1000 Genomes Project 30x 0.00016; 1000 Genomes Project 0.00020.
gnomAD v4.1: 115 of 1,614,138 alleles (0.0071%); highest among the groups gnomAD compares: East Asian, 0.2%; 1 homozygote.

Submissions (4):

PreventionGenetics, part of Exact Sciences
Classification: Uncertain significance for USH1C-related condition. Last evaluated: 2026-03-12. Review status: criteria provided, single submitter. Criteria: ACMG Guidelines, 2015. Collection method: clinical testing. Allele origin: germline.
Comment: The USH1C c.2551T>G variant is predicted to result in the amino acid substitution p.Ser851Ala. This variant has been reporting in individuals with hearing impairment (Zou et al. 2020. PubMed ID: 31486067; Table S2, Guan et al. 2021. PubMed ID: 34416374). This variant is reported in 0.19% of alleles in individuals of East Asian descent in gnomAD. Although we suspect this variant may be benign, at this time, the clinical significance of this variant is uncertain due to the absence of conclusive functional and genetic evidence.

Blueprint Genetics
Classification: Benign. Last evaluated: 2024-05-30. Review status: criteria provided, single submitter. Criteria: ACMG Guidelines, 2015. Collection method: clinical testing. Allele origin: germline.

Labcorp Genetics (formerly Invitae), Labcorp
Classification: Likely benign. Last evaluated: 2022-11-18. Review status: criteria provided, single submitter. Criteria: Invitae Variant Classification Sherloc (09022015). Collection method: clinical testing. Allele origin: germline.

Laboratory for Molecular Medicine, Mass General Brigham Personalized Medicine
Classification: Uncertain significance. Last evaluated: 2016-05-02. Review status: criteria provided, single submitter. Criteria: LMM Criteria. Collection method: clinical testing. Allele origin: germline. Observed: 1 variant allele.
Comment: Variant classified as Uncertain Significance - Favor Benign. The p.Ser851Ala var iant in USH1C has not been previously reported in individuals with hearing loss or Usher syndrome; however, this variant has been identified in 0.2% (16/8650) o f East Asian chromosomes by the Exome Aggregation Consortium (ExAC.; dbSNP rs200779709). Although this variant has been seen in t he general population, its frequency is not high enough to rule out a pathogenic role. The serine (Ser) at position 851 is not conserved in mammals or evolution ary distant species, and one mammal (ferret) has an alanine (Ala) at this positi on supporting that a change at this position may be tolerated. In summary, while the clinical significance of the p.Ser851Ala variant is uncertain, these data s uggest that it is more likely to be benign.